The following is an entry in ClinVar:

ClinVar aggregate classification (germline): Likely benign (1 of 4 stars; one submission).

Submission:

Women's Health and Genetics/Laboratory Corporation of America, LabCorp
Classification: Likely benign. Last evaluated: 2023-08-21. Review status: criteria provided, single submitter. Criteria: LabCorp Variant Classification Summary - May 2015. Collection method: clinical testing. Allele origin: germline.
Comment: Variant summary: FGFR3 c.931-712G>C is located at a position not widely known to affect splicing. 4/4 computational tools predict no significant impact on normal splicing. However, these predictions have yet to be confirmed by functional studies. The variant was absent in 226410 control chromosomes. The available data on variant occurrences in the general population are insufficient to allow any conclusion about variant significance. To our knowledge, no occurrence of c.931-712G>C in individuals affected with Achondroplasia and no experimental evidence demonstrating its impact on protein function have been reported. No submitters have cited clinical-significance assessments for this variant to ClinVar after 2014. Based on the evidence outlined above, the variant was classified as likely benign.

NM_000142.5(FGFR3):c.931-712G>C

Gene: FGFR3 (fibroblast growth factor receptor 3; plus strand). Cytogenetic location: 4p16.3.
Variant type: single nucleotide variant.
Coding change: c.931-712G>C on transcript NM_000142.5 (MANE Select); 712 bases into the intron before coding-DNA position 931, G replaced by C.
Molecular consequence: intron variant. On other transcripts: missense variant (1), non-coding transcript variant (1).
Genome position (GRCh38, 1-based): chr4:1,802,980, G>C. VCF-style: chr4-1802980-G-C. GRCh37 (hg19) VCF-style: chr4-1804707-G-C.
Other names: c.997G>C, p.Gly333Arg (NM_001163213.2); c.931-712G>C (NM_001354809.2, NM_001354810.2); c.930+955G>C (NM_022965.4); short protein forms G333R.
Identifiers: ClinVar variation 2581272 (VCV002581272.1), dbSNP rs898019935, ClinGen allele CA355977540.